The following is an entry in ClinVar:

ClinVar aggregate classification (germline): Conflicting classifications of pathogenicity. Review status: criteria provided, conflicting classifications (1 of 4 stars). 2 submissions from 2 submitters: Uncertain significance (1); Likely benign (1). Last evaluated 2026-01-05.

Conditions:
Hereditary cancer-predisposing syndrome. Also called: Neoplastic Syndromes, Hereditary; Hereditary neoplastic syndrome; Tumor predisposition; Hereditary Cancer Syndrome. Identifiers: Orphanet 140162, MedGen C0027672, MeSH D009386, MONDO:0015356.
POLD1-related polyposis and colorectal cancer syndrome (CRCS10). Also called: Colorectal cancer 10; COLORECTAL CANCER, SUSCEPTIBILITY TO, ON CHROMOSOME 19q; Colorectal cancer, susceptibility to, 10. Identifiers: Orphanet 220460, MedGen C2675481, MONDO:0012953, OMIM 612591.

Allele frequency attached by ClinVar (database versions not stated): gnomAD below 0.00001 and 0.00001; gnomAD exomes 0.00002; ExAC 0.00006.
gnomAD v4.1: 14 of 1,596,126 alleles (0.00088%); highest among the groups gnomAD compares: Middle Eastern, 0.019%; no homozygotes.

Submissions (2):

Labcorp Genetics (formerly Invitae), Labcorp
Classification: Uncertain significance for POLD1-related polyposis and colorectal cancer syndrome. Last evaluated: 2026-01-05. Review status: criteria provided, single submitter. Criteria: Invitae Variant Classification Sherloc (09022015). Collection method: clinical testing. Allele origin: germline.
Comment: This sequence change replaces proline, which is neutral and non-polar, with serine, which is neutral and polar, at codon 299 of the POLD1 protein (p.Pro299Ser). This variant is present in population databases (rs759271754, gnomAD 0.02%). This variant has not been reported in the literature in individuals affected with POLD1-related conditions. ClinVar contains an entry for this variant (Variation ID: 469392). Invitae Evidence Modeling of protein sequence and biophysical properties (such as structural, functional, and spatial information, amino acid conservation, physicochemical variation, residue mobility, and thermodynamic stability) indicates that this missense variant is not expected to disrupt POLD1 protein function with a negative predictive value of 80%. In summary, the available evidence is currently insufficient to determine the role of this variant in disease. Therefore, it has been classified as a Variant of Uncertain Significance.

Ambry Genetics
Classification: Likely benign for Hereditary cancer-predisposing syndrome. Last evaluated: 2024-10-17. Review status: criteria provided, single submitter. Criteria: Ambry Variant Classification Scheme 2023. Collection method: clinical testing. Allele origin: germline.

NM_002691.4(POLD1):c.895C>T (p.Pro299Ser)

Gene: POLD1 (DNA polymerase delta 1, catalytic subunit; plus strand). Cytogenetic location: 19q13.33.
Variant type: single nucleotide variant.
Coding change: c.895C>T on transcript NM_002691.4 (MANE Select); coding-DNA position 895, C replaced by T.
Protein change: p.Pro299Ser; replaces proline 299 with serine.
Molecular consequence: missense variant. On other transcripts: non-coding transcript variant (1).
Genome position (GRCh38, 1-based): chr19:50,402,666, C>T. VCF-style: chr19-50402666-C-T. GRCh37 (hg19) VCF-style: chr19-50905923-C-T.
Other names: c.895C>T, p.Pro299Ser (NM_001256849.1, NM_001308632.1); c.895C>T (NM_002691.2); short protein forms P299S.
Identifiers: ClinVar variation 469392 (VCV000469392.9), dbSNP rs759271754, ClinGen allele CA9595944.